The following is an entry in ClinVar:

NM_080916.3(DGUOK):c.423G>A (p.Glu141=)

Gene: DGUOK (deoxyguanosine kinase; plus strand). Cytogenetic location: 2p13.1.
Variant type: single nucleotide variant.
Coding change: c.423G>A on transcript NM_080916.3 (MANE Select); coding-DNA position 423, G replaced by A.
Protein change: p.Glu141=; no amino-acid change (glutamic acid 141 retained).
Molecular consequence: synonymous variant. On other transcripts: non-coding transcript variant (5).
Genome position (GRCh38, 1-based): chr2:73,946,886, G>A. VCF-style: chr2-73946886-G-A. GRCh37 (hg19) VCF-style: chr2-74174013-G-A.
Other names: p.E141E:GAG>GAA; c.423G>A, p.Glu141= (NM_001318859.2, NM_080918.3); c.132G>A, p.Glu44= (NM_001318860.2, NM_001318861.2, NM_001318862.2 and 1 more transcripts).
Identifiers: ClinVar variation 137081 (VCV000137081.30), dbSNP rs1804599, ClinGen allele CA290584.
Genomic context (GRCh38, chr2:73,946,886, plus strand): 5'-ACAGCTGGAGCCCTTCCCTGAGAAACTCTTACAGGCCAGGAAGCCAGTACAGATCTTTGA[G>A]AGGTCTGTGTACAGTGACAGGTAAAATGCCAAGCCCTCCACCAGTCACAAGCCCCATGCT-3'
Protein context (NP_550438.1, residues 131-151): LQARKPVQIF[Glu141=]RSVYSDRYIF

ClinVar aggregate classification (germline): Benign/Likely benign. Review status: criteria provided, multiple submitters, no conflicts (2 of 4 stars). 7 submissions from 7 submitters: Benign (3); Likely benign (2). 2 of the submissions do not count toward it. Last evaluated 2026-02-01.

Conditions:
DGUOK-related disorder. Also called: DGUOK-related condition.
Mitochondrial DNA depletion syndrome 3 (hepatocerebral type). Also called: Mitochondrial DNA depletion syndrome, hepatocerebral form due to DGUOK deficiency; MITOCHONDRIAL DNA DEPLETION SYNDROME 3; Deoxyguanosine Kinase Deficiency. Identifiers: Orphanet 279934, MedGen CN074093, MONDO:0009636, OMIM 251880.

Allele frequency attached by ClinVar (database versions not stated): ESP Exome Variant Server 0.01530; gnomAD 0.01535 and 0.01443; TOPMed 0.01551; gnomAD exomes 0.00389; ExAC 0.00543; 1000 Genomes Project 0.01777; 1000 Genomes Project 30x 0.01858.
gnomAD v4.1: 4,401 of 1,612,918 alleles (0.27%); highest among the groups gnomAD compares: African/African-American, 5%; 124 homozygotes.

Submissions (7):

Labcorp Genetics (formerly Invitae), Labcorp
Classification: Benign. Last evaluated: 2026-02-01. Review status: criteria provided, single submitter. Criteria: Invitae Variant Classification Sherloc (09022015). Collection method: clinical testing. Allele origin: germline.

ARUP Laboratories, Molecular Genetics and Genomics, ARUP Laboratories
Classification: Benign. Last evaluated: 2023-09-21. Review status: criteria provided, single submitter. Criteria: ARUP Molecular Germline Variant Investigation Process 2024. Collection method: clinical testing. Allele origin: germline.

Illumina Laboratory Services, Illumina
Classification: Likely benign for Mitochondrial DNA depletion syndrome 3 (hepatocerebral type). Last evaluated: 2017-04-28. Review status: criteria provided, single submitter. Criteria: ICSL Variant Classification Criteria 13 December 2019. Collection method: clinical testing. Allele origin: germline.
Comment: This variant was observed as part of a predisposition screen in an ostensibly healthy population. A literature search was performed for the gene, cDNA change, and amino acid change (where applicable). No publications were found based on this search. Allele frequency data from public databases allowed determination this variant is unlikely to cause disease. Therefore, this variant is classified as likely benign.

GeneDx
Classification: Benign. Last evaluated: 2011-10-06. Review status: criteria provided, single submitter. Criteria: GeneDx Variant Classification (06012015). Collection method: clinical testing. Allele origin: germline. Affected: yes.
Comment: This variant is considered likely benign or benign based on one or more of the following criteria: it is a conservative change, it occurs at a poorly conserved position in the protein, it is predicted to be benign by multiple in silico algorithms, and/or has population frequency not consistent with disease.

Breakthrough Genomics
Classification: Likely benign. Review status: criteria provided, single submitter. Criteria: ACMG Guidelines, 2015. Collection method: not provided. Allele origin: germline. Inheritance: Autosomal recessive inheritance. Affected: yes.

PreventionGenetics, part of Exact Sciences
Classification: Benign for DGUOK-related condition. Last evaluated: 2019-06-25. Review status: no assertion criteria provided. Collection method: clinical testing. Allele origin: germline. Not counted in ClinVar's aggregate classification.
Comment: This variant is classified as benign based on ACMG/AMP sequence variant interpretation guidelines (Richards et al. 2015 PMID: 25741868, with internal and published modifications).

Mayo Clinic Laboratories, Mayo Clinic
Classification: Benign. Last evaluated: 2017-08-22. Review status: no assertion criteria provided. Collection method: clinical testing. Allele origin: unknown. Not counted in ClinVar's aggregate classification.